The following is an entry in ClinVar:

NM_001048174.2(MUTYH):c.1203del (p.Leu403fs)

Gene: MUTYH (mutY DNA glycosylase; minus strand). Cytogenetic location: 1p34.1.
Variant type: Deletion.
Coding change: c.1203del on transcript NM_001048174.2 (MANE Select); coding-DNA position 1203, one base deleted (G; older notation c.1203delG).
Protein change: p.Leu403fs; shifts the reading frame from leucine 403.
Molecular consequence: frameshift variant. On other transcripts: non-coding transcript variant (7).
Genome position (GRCh38, 1-based): chr1:45,331,456, C deleted on the plus strand (G on the coding strand, the reverse complement: MUTYH is on the minus strand); the first of 3 consecutive C bases (chr1:45,331,456-45,331,458); deleting any one gives the same sequence. VCF-style (leftmost placement, unchanged base first): chr1-45331455-GC-G. GRCh37 (hg19) VCF-style: chr1-45797127-GC-G.
Other names: c.1287delG (NM_001128425.1); c.1203del, p.Leu403fs (NM_001048171.2, NM_001048173.2, NM_001293195.2 and 6 more transcripts); c.1206del, p.Leu404fs (NM_001048172.2, NM_001407071.1, NM_001407078.1 and 1 more transcripts); c.1287del, p.Leu431fs (NM_001128425.2); c.1248del, p.Leu418fs (NM_001293190.2); c.1236del, p.Leu414fs (NM_001293191.2, NM_001407069.1, NM_001407077.1); c.927del, p.Leu311fs (NM_001293192.2, NM_001293196.2, NM_001407091.1); c.858del, p.Leu288fs (NM_001350650.2, NM_001350651.2, NM_001407082.1); and 6 more; short protein forms L311fs, L418fs, L428fs, L389fs, L403fs, L410fs, L375fs, L390fs.
Identifiers: ClinVar variation 3297040 (VCV003297040.1).

ClinVar aggregate classification (germline): Pathogenic (1 of 4 stars; one submission).

Conditions:
Hereditary cancer-predisposing syndrome. Also called: Tumor predisposition; Hereditary Cancer Syndrome; Hereditary neoplastic syndrome; Neoplastic Syndromes, Hereditary. Identifiers: Orphanet 140162, MedGen C0027672, MeSH D009386, MONDO:0015356.

Submission:

Ambry Genetics
Classification: Pathogenic for Hereditary cancer-predisposing syndrome. Last evaluated: 2024-03-18. Review status: criteria provided, single submitter. Criteria: Ambry Variant Classification Scheme 2023. Collection method: clinical testing. Allele origin: germline.
Comment: The c.1287delG variant, located in coding exon 13 of the MUTYH gene, results from a deletion of one nucleotide at nucleotide position 1287, causing a translational frameshift with a predicted alternate stop codon (p.L431Sfs*21). This variant is considered to be rare based on population cohorts in the Genome Aggregation Database (gnomAD). This alteration is expected to result in loss of function by premature protein truncation or nonsense-mediated mRNA decay. As such, this alteration is interpreted as a disease-causing mutation.